The following is an entry in ClinVar:

NM_000059.4(BRCA2):c.516+4A>C

Gene: BRCA2 (BRCA2 DNA repair associated; plus strand). Cytogenetic location: 13q13.1.
Variant type: single nucleotide variant.
Coding change: c.516+4A>C on transcript NM_000059.4 (MANE Select); 4 bases into the intron after coding-DNA position 516, A replaced by C.
Molecular consequence: intron variant.
Genome position (GRCh38, 1-based): chr13:32,326,286, A>C. VCF-style: chr13-32326286-A-C. GRCh37 (hg19) VCF-style: chr13-32900423-A-C.
Other names: c.516+4A>C (NM_001432077.1, NM_001406720.1, NM_001406719.1 and 1 more transcripts); c.147+4A>C (NM_001406722.1).
Identifiers: ClinVar variation 4824538 (VCV004824538.1).

ClinVar aggregate classification (germline): Uncertain significance (1 of 4 stars; one submission).

Conditions:
Hereditary cancer-predisposing syndrome. Also called: Neoplastic Syndromes, Hereditary; Hereditary neoplastic syndrome; Tumor predisposition; Hereditary Cancer Syndrome. Identifiers: Orphanet 140162, MedGen C0027672, MeSH D009386, MONDO:0015356.

Submission:

Ambry Genetics
Classification: Uncertain significance for Hereditary cancer-predisposing syndrome. Last evaluated: 2026-02-11. Review status: criteria provided, single submitter. Criteria: Ambry Variant Classification Scheme 2023. Collection method: clinical testing. Allele origin: germline.
Comment: The c.516+4A>C intronic variant results from an A to C substitution 4 nucleotides after coding exon 5 in the BRCA2 gene. This nucleotide position is well conserved in available vertebrate species. In silico splice site analysis for this alteration is inconclusive; however, direct evidence is insufficient at this time (Ambry internal data). Based on the available evidence, the clinical significance of this variant remains unclear.